The following is an entry in ClinVar:

ClinVar aggregate classification (germline): Uncertain significance (1 of 4 stars; one submission).

Allele frequency attached by ClinVar (database versions not stated): TOPMed below 0.00001; gnomAD exomes 0.00001.
gnomAD v4.1: 36 of 1,606,294 alleles (0.0022%); highest among the groups gnomAD compares: Non-Finnish European, 0.0031%; no homozygotes.

Submission:

Labcorp Genetics (formerly Invitae), Labcorp
Classification: Uncertain significance. Last evaluated: 2021-06-23. Review status: criteria provided, single submitter. Criteria: Invitae Variant Classification Sherloc (09022015). Collection method: clinical testing. Allele origin: germline.
Comment: This sequence change falls in intron 4 of the KMT2B gene. It does not directly change the encoded amino acid sequence of the KMT2B protein. It affects a nucleotide within the consensus splice site of the intron. This variant is not present in population databases (ExAC no frequency). This variant has not been reported in the literature in individuals with KMT2B-related conditions. Nucleotide substitutions within the consensus splice site are a relatively common cause of aberrant splicing (PMID: 17576681, 9536098). Algorithms developed to predict the effect of sequence changes on RNA splicing suggest that this variant may disrupt the consensus splice site, but this prediction has not been confirmed by published transcriptional studies. In summary, the available evidence is currently insufficient to determine the role of this variant in disease. Therefore, it has been classified as a Variant of Uncertain Significance.

Literature cited by the submitters: PubMed 17576681; PubMed 9536098.

NM_014727.3(KMT2B):c.2571+6C>G

Gene: KMT2B (lysine methyltransferase 2B; plus strand). Cytogenetic location: 19q13.12.
Variant type: single nucleotide variant.
Coding change: c.2571+6C>G on transcript NM_014727.3 (MANE Select); 6 bases into the intron after coding-DNA position 2571, C replaced by G.
Molecular consequence: intron variant.
Genome position (GRCh38, 1-based): chr19:35,722,478, C>G. VCF-style: chr19-35722478-C-G. GRCh37 (hg19) VCF-style: chr19-36213380-C-G.
Identifiers: ClinVar variation 1510367 (VCV001510367.6), dbSNP rs1196114359, ClinGen allele CA632766341.